The following is an entry in ClinVar:

ClinVar aggregate classification (germline): Conflicting classifications of pathogenicity. Review status: criteria provided, conflicting classifications (1 of 4 stars). 5 submissions from 5 submitters: Uncertain significance (1); Likely benign (3). 1 of the submissions does not count toward it. Last evaluated 2024-07-19.

Conditions:
EFHC1-related disorder. Also called: EFHC1-related condition.
Myoclonic epilepsy, juvenile, susceptibility to, 1. Also called: Myoclonic Epilepsy, Juvenile, 1; EJM1. Identifiers: MedGen C1850778, MONDO:0020752, OMIM 254770.
Absence seizure. Also called: Absence epilepsy. Identifiers: Orphanet 1941, MedGen C0014553.

Allele frequency attached by ClinVar (database versions not stated): ExAC 0.00010; gnomAD exomes 0.00018 and 0.00027; gnomAD 0.00021 and 0.00024; TOPMed 0.00022; ESP Exome Variant Server 0.00031.
gnomAD v4.1: 438 of 1,613,902 alleles (0.027%); highest among the groups gnomAD compares: Non-Finnish European, 0.033%; no homozygotes.

Submissions (5):

Blueprint Genetics
Classification: Likely benign. Last evaluated: 2024-07-19. Review status: criteria provided, single submitter. Criteria: ACMG Guidelines, 2015. Collection method: clinical testing. Allele origin: germline.

Labcorp Genetics (formerly Invitae), Labcorp
Classification: Likely benign for Myoclonic epilepsy, juvenile, susceptibility to, 1; Absence seizure. Last evaluated: 2022-12-06. Review status: criteria provided, single submitter. Criteria: Invitae Variant Classification Sherloc (09022015). Collection method: clinical testing. Allele origin: germline.

GeneDx
Classification: Likely benign. Last evaluated: 2015-10-27. Review status: criteria provided, single submitter. Criteria: GeneDx Variant Classification (06012015). Collection method: clinical testing. Allele origin: germline. Affected: yes.
Comment: This variant is considered likely benign or benign based on one or more of the following criteria: it is a conservative change, it occurs at a poorly conserved position in the protein, it is predicted to be benign by multiple in silico algorithms, and/or has population frequency not consistent with disease.

Eurofins Ntd Llc (ga)
Classification: Uncertain significance. Last evaluated: 2015-05-01. Review status: criteria provided, single submitter. Criteria: EGL Classification Definitions 2015. Collection method: clinical testing. Allele origin: germline. Observed: 1 variant allele, 1 heterozygote.

PreventionGenetics, part of Exact Sciences
Classification: Likely benign for EFHC1-related condition. Last evaluated: 2019-12-05. Review status: no assertion criteria provided. Collection method: clinical testing. Allele origin: germline. Not counted in ClinVar's aggregate classification.
Comment: This variant is classified as likely benign based on ACMG/AMP sequence variant interpretation guidelines (Richards et al. 2015 PMID: 25741868, with internal and published modifications).

NM_018100.4(EFHC1):c.1675T>C (p.Leu559=)

Gene: EFHC1 (EF-hand domain containing 1; plus strand). Cytogenetic location: 6p12.2.
Variant type: single nucleotide variant.
Coding change: c.1675T>C on transcript NM_018100.4 (MANE Select); coding-DNA position 1675, T replaced by C.
Protein change: p.Leu559=; no amino-acid change (leucine 559 retained).
Molecular consequence: synonymous variant. On other transcripts: non-coding transcript variant (1).
Genome position (GRCh38, 1-based): chr6:52,490,174, T>C. VCF-style: chr6-52490174-T-C. GRCh37 (hg19) VCF-style: chr6-52354972-T-C.
Other names: c.1618T>C, p.Leu540= (NM_001172420.2).
Identifiers: ClinVar variation 193726 (VCV000193726.19), dbSNP rs145194882, ClinGen allele CA239340.